The following is an entry in ClinVar:

NM_016239.4(MYO15A):c.1967A>G (p.His656Arg)

Gene: MYO15A (myosin XVA; plus strand). Cytogenetic location: 17p11.2.
Variant type: single nucleotide variant.
Coding change: c.1967A>G on transcript NM_016239.4 (MANE Select); coding-DNA position 1967, A replaced by G.
Protein change: p.His656Arg; replaces histidine 656 with arginine.
Molecular consequence: missense variant.
Genome position (GRCh38, 1-based): chr17:18,120,767, A>G. VCF-style: chr17-18120767-A-G. GRCh37 (hg19) VCF-style: chr17-18024081-A-G.
Other names: short protein forms H656R.
Identifiers: ClinVar variation 1305294 (VCV001305294.4), dbSNP rs954909427, ClinGen allele CA288388111.

ClinVar aggregate classification (germline): Uncertain significance. Review status: criteria provided, multiple submitters, no conflicts (2 of 4 stars). 2 submissions from 2 submitters: Uncertain significance (2). Last evaluated 2021-07-20.

Conditions:
Inborn genetic diseases. Identifiers: MedGen C0950123, MeSH D030342.

Allele frequency attached by ClinVar (database versions not stated): gnomAD 0.00002 and 0.00003; TOPMed 0.00002; gnomAD exomes 0.00003.
gnomAD v4.1: 40 of 1,437,478 alleles (0.0028%); highest among the groups gnomAD compares: Non-Finnish European, 0.0035%; no homozygotes.

Submissions (2):

Ambry Genetics
Classification: Uncertain significance for Inborn genetic diseases. Last evaluated: 2021-07-20. Review status: criteria provided, single submitter. Criteria: Ambry Variant Classification Scheme 2023. Collection method: clinical testing. Allele origin: germline.

GeneDx
Classification: Uncertain significance. Last evaluated: 2019-04-24. Review status: criteria provided, single submitter. Criteria: GeneDx Variant Classification Process June 2021. Collection method: clinical testing. Allele origin: germline. Affected: yes.
Comment: Has not been previously published as pathogenic or benign to our knowledge